The following is an entry in ClinVar:

NM_001042492.3(NF1):c.776G>A (p.Ser259Asn)

Gene: NF1 (neurofibromin 1; plus strand). Cytogenetic location: 17q11.2.
Variant type: single nucleotide variant.
Coding change: c.776G>A on transcript NM_001042492.3 (MANE Select); coding-DNA position 776, G replaced by A.
Protein change: p.Ser259Asn; replaces serine 259 with asparagine.
Molecular consequence: missense variant.
Genome position (GRCh38, 1-based): chr17:31,182,553, G>A. VCF-style: chr17-31182553-G-A. GRCh37 (hg19) VCF-style: chr17-29509571-G-A.
Other names: c.776G>A, p.Ser259Asn (NM_000267.4, NM_001128147.3); short protein forms S259N.
Identifiers: ClinVar variation 942268 (VCV000942268.10), dbSNP rs2066156591, ClinGen allele CA398990788.

ClinVar aggregate classification (germline): Uncertain significance. Review status: criteria provided, multiple submitters, no conflicts (2 of 4 stars). 4 submissions from 4 submitters: Uncertain significance (4). Last evaluated 2026-04-24.

Conditions:
Cardiovascular phenotype. Identifiers: MedGen CN230736.
Hereditary cancer-predisposing syndrome. Also called: Hereditary Cancer Syndrome; Neoplastic Syndromes, Hereditary; Tumor predisposition; Hereditary neoplastic syndrome. Identifiers: Orphanet 140162, MedGen C0027672, MeSH D009386, MONDO:0015356.
Neurofibromatosis, type 1 (NF1). Also called: Peripheral type neurofibromatosis; VON RECKLINGHAUSEN DISEASE; Neurofibromatosis, type I; NEUROFIBROMATOSIS, TYPE I, SOMATIC. Identifiers: Orphanet 636, MedGen C0027831, MONDO:0018975, OMIM 162200. Disease mechanism: loss of function.

Allele frequency attached by ClinVar (database versions not stated): gnomAD exomes below 0.00001.
gnomAD v4.1: 2 of 1,614,046 alleles (0.00012%); highest among the groups gnomAD compares: South Asian, 0.0011%; no homozygotes.

Submissions (4):

Ambry Genetics
Classification: Uncertain significance for Cardiovascular phenotype; Hereditary cancer-predisposing syndrome. Last evaluated: 2026-04-24. Review status: criteria provided, single submitter. Criteria: Ambry Variant Classification Scheme 2023. Collection method: clinical testing. Allele origin: germline.
Comment: The p.S259N variant (also known as c.776G>A), located in coding exon 8 of the NF1 gene, results from a G to A substitution at nucleotide position 776. The serine at codon 259 is replaced by asparagine, an amino acid with highly similar properties. This amino acid position is highly conserved in available vertebrate species. In addition, the in silico prediction for this alteration is inconclusive. Based on the available evidence, the clinical significance of this variant remains unclear.

Labcorp Genetics (formerly Invitae), Labcorp
Classification: Uncertain significance for Neurofibromatosis, type 1. Last evaluated: 2024-07-10. Review status: criteria provided, single submitter. Criteria: Invitae Variant Classification Sherloc (09022015). Collection method: clinical testing. Allele origin: germline.
Comment: This sequence change replaces serine, which is neutral and polar, with asparagine, which is neutral and polar, at codon 259 of the NF1 protein (p.Ser259Asn). This variant is not present in population databases (gnomAD no frequency). This variant has not been reported in the literature in individuals affected with NF1-related conditions. ClinVar contains an entry for this variant (Variation ID: 942268). Advanced modeling of protein sequence and biophysical properties (such as structural, functional, and spatial information, amino acid conservation, physicochemical variation, residue mobility, and thermodynamic stability) has been performed at Invitae for this missense variant, however the output from this modeling did not meet the statistical confidence thresholds required to predict the impact of this variant on NF1 protein function. In summary, the available evidence is currently insufficient to determine the role of this variant in disease. Therefore, it has been classified as a Variant of Uncertain Significance.

Genome-Nilou Lab
Classification: Uncertain significance for Neurofibromatosis, type 1. Last evaluated: 2022-03-15. Review status: criteria provided, single submitter. Criteria: ACMG Guidelines, 2015. Collection method: clinical testing. Allele origin: germline. Affected: no.

Sema4
Classification: Uncertain significance for Hereditary cancer-predisposing syndrome. Last evaluated: 2021-10-07. Review status: criteria provided, single submitter. Criteria: Sema4 Curation Guidelines. Collection method: curation. Allele origin: germline.
Comment: The NF1 c.776G>A (p.S259N) variant has not been reported in the literature to our knowledge. It was not observed in the large and broad cohorts of the Genome Aggregation Database, but has been reported in ClinVar (Variation ID 942268). Functional studies have not been performed, and in silico predictions of the variant's effect on protein function are inconclusive. The evidence is insufficient to meet ACMG/AMP criteria for classifying the variant as benign or pathogenic. Thus, the clinical significance of this variant is currently uncertain.